The following is an entry in ClinVar:

ClinVar aggregate classification (germline): Uncertain significance (1 of 4 stars; one submission).

Submission:

Labcorp Genetics (formerly Invitae), Labcorp
Classification: Uncertain significance. Last evaluated: 2021-05-31. Review status: criteria provided, single submitter. Criteria: Invitae Variant Classification Sherloc (09022015). Collection method: clinical testing. Allele origin: germline.
Comment: In summary, the available evidence is currently insufficient to determine the role of this variant in disease. Therefore, it has been classified as a Variant of Uncertain Significance. Algorithms developed to predict the effect of missense changes on protein structure and function (SIFT, PolyPhen-2, Align-GVGD) all suggest that this variant is likely to be disruptive, but these predictions have not been confirmed by published functional studies and their clinical significance is uncertain. This variant has not been reported in the literature in individuals with SMAD2-related conditions. This variant is not present in population databases (ExAC no frequency). This sequence change replaces glutamine with proline at codon 407 of the SMAD2 protein (p.Gln407Pro). The glutamine residue is highly conserved and there is a moderate physicochemical difference between glutamine and proline.

NM_005901.6(SMAD2):c.1220A>C (p.Gln407Pro)

Gene: SMAD2 (SMAD family member 2; minus strand). Cytogenetic location: 18q21.1.
Variant type: single nucleotide variant.
Coding change: c.1220A>C on transcript NM_005901.6 (MANE Select); coding-DNA position 1220, A replaced by C.
Protein change: p.Gln407Pro; replaces glutamine 407 with proline.
Molecular consequence: missense variant.
Genome position (GRCh38, 1-based): chr18:47,845,400, T>G on the plus strand (A>C on the coding strand, the complement: SMAD2 is on the minus strand). VCF-style: chr18-47845400-T-G. GRCh37 (hg19) VCF-style: chr18-45371771-T-G.
Other names: c.1220A>C, p.Gln407Pro (NM_001003652.4); c.1130A>C, p.Gln377Pro (NM_001135937.3); short protein forms Q377P, Q407P.
Identifiers: ClinVar variation 1357831 (VCV001357831.8), dbSNP rs2144287547, ClinGen allele CA402503599.